The following is an entry in ClinVar:

ClinVar aggregate classification (germline): Uncertain significance (1 of 4 stars; one submission).

Submission:

CeGaT Center for Human Genetics Tuebingen
Classification: Uncertain significance. Last evaluated: 2023-02-01. Review status: criteria provided, single submitter. Criteria: CeGaT Center For Human Genetics Tuebingen Variant Classification Criteria Version 2. Collection method: clinical testing. Allele origin: germline. Affected: yes. Observed: 1 variant allele.
Comment: GCM2: PM2, BP4

NM_004752.4(GCM2):c.168G>T (p.Lys56Asn)

Gene: GCM2 (GCM transcription factor 2; minus strand). Cytogenetic location: 6p24.2.
Variant type: single nucleotide variant.
Coding change: c.168G>T on transcript NM_004752.4 (MANE Select); coding-DNA position 168, G replaced by T.
Protein change: p.Lys56Asn; replaces lysine 56 with asparagine.
Molecular consequence: missense variant.
Genome position (GRCh38, 1-based): chr6:10,877,315, C>A on the plus strand (G>T on the coding strand, the complement: GCM2 is on the minus strand). VCF-style: chr6-10877315-C-A. GRCh37 (hg19) VCF-style: chr6-10877548-C-A.
Other names: short protein forms K56N.
Identifiers: ClinVar variation 2656224 (VCV002656224.24), dbSNP rs11963184, ClinGen allele CA362724889.